The following is an entry in ClinVar:

NM_007315.4(STAT1):c.1115A>G (p.Asn372Ser)

Gene: STAT1 (signal transducer and activator of transcription 1; minus strand). Cytogenetic location: 2q32.2.
Variant type: single nucleotide variant.
Coding change: c.1115A>G on transcript NM_007315.4 (MANE Select); coding-DNA position 1115, A replaced by G.
Protein change: p.Asn372Ser; replaces asparagine 372 with serine.
Molecular consequence: missense variant. On other transcripts: intron variant (1).
Genome position (GRCh38, 1-based): chr2:190,987,051, T>C on the plus strand (A>G on the coding strand, the complement: STAT1 is on the minus strand). VCF-style: chr2-190987051-T-C. GRCh37 (hg19) VCF-style: chr2-191851777-T-C.
Other names: c.1055A>G, p.Asn352Ser (NM_001384880.1); c.1121A>G, p.Asn374Ser (NM_001384881.1, NM_001384884.1); c.1115A>G, p.Asn372Ser (NM_001384882.1, NM_001384886.1, NM_001384889.1 and 1 more transcripts); c.1016A>G, p.Asn339Ser (NM_001384883.1); c.956A>G, p.Asn319Ser (NM_001384885.1); c.1022A>G, p.Asn341Ser (NM_001384887.1); c.1025A>G, p.Asn342Ser (NM_001384890.1); c.1151A>G, p.Asn384Ser (NM_001384891.1); and 1 more; short protein forms N319S, N339S, N341S, N342S, N352S, N372S, N374S, N384S.
Identifiers: ClinVar variation 3757202 (VCV003757202.2).

ClinVar aggregate classification (germline): Uncertain significance (1 of 4 stars; one submission).

Conditions:
Immunodeficiency 31B. Also called: IMMUNODEFICIENCY 31B, MYCOBACTERIAL AND VIRAL INFECTIONS, AUTOSOMAL RECESSIVE; STAT1 DEFICIENCY, AUTOSOMAL RECESSIVE. Identifiers: Orphanet 391311, MedGen C3151088, MONDO:0013427, OMIM 613796.
Autoimmune enteropathy and endocrinopathy - susceptibility to chronic infections syndrome. Also called: Immunodeficiency 31C, autosomal dominant; Immunodeficiency 31C. Identifiers: Orphanet 391487, MedGen C3279990, MONDO:0013599, OMIM 614162.
Mendelian susceptibility to mycobacterial diseases due to partial STAT1 deficiency. Also called: IMMUNODEFICIENCY 31A, MYCOBACTERIOSIS, AUTOSOMAL DOMINANT; STAT1 DEFICIENCY, AUTOSOMAL DOMINANT; Immunodeficiency 31a. Identifiers: Orphanet 319595, MedGen C4013950, MONDO:0013956, OMIM 614892.

Submission:

Labcorp Genetics (formerly Invitae), Labcorp
Classification: Uncertain significance for Mendelian susceptibility to mycobacterial diseases due to partial STAT1 deficiency; Immunodeficiency 31B; Autoimmune enteropathy and endocrinopathy - susceptibility to chronic infections syndrome. Last evaluated: 2024-07-22. Review status: criteria provided, single submitter. Criteria: Invitae Variant Classification Sherloc (09022015). Collection method: clinical testing. Allele origin: germline.
Comment: This sequence change replaces asparagine, which is neutral and polar, with serine, which is neutral and polar, at codon 372 of the STAT1 protein (p.Asn372Ser). This variant is not present in population databases (gnomAD no frequency). This variant has not been reported in the literature in individuals affected with STAT1-related conditions. An algorithm developed to predict the effect of missense changes on protein structure and function (PolyPhen-2) suggests that this variant is likely to be tolerated. In summary, the available evidence is currently insufficient to determine the role of this variant in disease. Therefore, it has been classified as a Variant of Uncertain Significance.